The following is an entry in ClinVar:

ClinVar aggregate classification (germline): Pathogenic (1 of 4 stars; one submission).

Submission:

Labcorp Genetics (formerly Invitae), Labcorp
Classification: Pathogenic. Last evaluated: 2024-12-03. Review status: criteria provided, single submitter. Criteria: Invitae Variant Classification Sherloc (09022015). Collection method: clinical testing. Allele origin: germline.
Comment: This sequence change creates a premature translational stop signal (p.Glu322Glyfs*29) in the LZTR1 gene. It is expected to result in an absent or disrupted protein product. Loss-of-function variants in LZTR1 are known to be pathogenic (PMID: 24362817, 25335493, 25480913, 25795793, 29469822, 30368668, 30442762, 30442766, 30481304, 30859559). This variant is not present in population databases (gnomAD no frequency). This variant has not been reported in the literature in individuals affected with LZTR1-related conditions. For these reasons, this variant has been classified as Pathogenic.

Literature cited by the submitters: PubMed 24362817; PubMed 25335493; PubMed 25480913; PubMed 25795793; PubMed 29469822; PubMed 30368668; PubMed 30442762; PubMed 30442766; PubMed 30481304; PubMed 30859559.

NM_006767.4(LZTR1):c.965del (p.Glu322fs)

Gene: LZTR1 (leucine zipper like post translational regulator 1; plus strand). Cytogenetic location: 22q11.21.
Variant type: Deletion.
Coding change: c.965del on transcript NM_006767.4 (MANE Select); coding-DNA position 965, one base deleted (A; older notation c.965delA).
Protein change: p.Glu322fs; shifts the reading frame from glutamic acid 322.
Molecular consequence: frameshift variant.
Genome position (GRCh38, 1-based): chr22:20,991,801, A deleted. VCF-style (leftmost placement, unchanged base first): chr22-20991800-GA-G. GRCh37 (hg19) VCF-style: chr22-21346089-GA-G.
Other names: short protein forms E322fs.
Identifiers: ClinVar variation 3726535 (VCV003726535.2).